The following is an entry in ClinVar:

NM_001737.5(C9):c.313T>G (p.Phe105Val)

Gene: C9 (complement C9; minus strand). Cytogenetic location: 5p13.1.
Variant type: single nucleotide variant.
Coding change: c.313T>G on transcript NM_001737.5 (MANE Select); coding-DNA position 313, T replaced by G.
Protein change: p.Phe105Val; replaces phenylalanine 105 with valine.
Molecular consequence: missense variant.
Genome position (GRCh38, 1-based): chr5:39,341,571, A>C on the plus strand (T>G on the coding strand, the complement: C9 is on the minus strand). VCF-style: chr5-39341571-A-C. GRCh37 (hg19) VCF-style: chr5-39341673-A-C.
Other names: short protein forms F105V.
Identifiers: ClinVar variation 2088623 (VCV002088623.4), dbSNP rs1295454600, ClinGen allele CA359563338.

ClinVar aggregate classification (germline): Uncertain significance (1 of 4 stars; one submission).

gnomAD v4.1: 1 of 1,614,146 alleles (0.000062%); no homozygotes.

Submission:

Labcorp Genetics (formerly Invitae), Labcorp
Classification: Uncertain significance. Last evaluated: 2022-08-23. Review status: criteria provided, single submitter. Criteria: Invitae Variant Classification Sherloc (09022015). Collection method: clinical testing. Allele origin: germline.
Comment: This sequence change replaces phenylalanine, which is neutral and non-polar, with valine, which is neutral and non-polar, at codon 105 of the C9 protein (p.Phe105Val). This variant is present in population databases (no rsID available, gnomAD no frequency). In summary, the available evidence is currently insufficient to determine the role of this variant in disease. Therefore, it has been classified as a Variant of Uncertain Significance. Algorithms developed to predict the effect of missense changes on protein structure and function are either unavailable or do not agree on the potential impact of this missense change (SIFT: "Not Available"; PolyPhen-2: "Probably Damaging"; Align-GVGD: "Not Available"). This variant has not been reported in the literature in individuals affected with C9-related conditions.